The following is an entry in ClinVar:

ClinVar aggregate classification (germline): Conflicting classifications of pathogenicity. Review status: criteria provided, conflicting classifications (1 of 4 stars). 12 submissions from 12 submitters: Pathogenic (9); Uncertain significance (1). 2 of the submissions do not count toward it. Last evaluated 2025-09-08.

Conditions:
Wilson disease (WND). Also called: Wilson's disease. Identifiers: Orphanet 905, MedGen C0019202, MONDO:0010200, OMIM 277900. Disease mechanism: loss of function.

Submissions (12):

Labcorp Genetics (formerly Invitae), Labcorp
Classification: Pathogenic for Wilson disease. Last evaluated: 2025-09-08. Review status: criteria provided, single submitter. Criteria: Invitae Variant Classification Sherloc (09022015). Collection method: clinical testing. Allele origin: germline.
Comment: This sequence change creates a premature translational stop signal (p.Thr1050Hisfs*71) in the ATP7B gene. It is expected to result in an absent or disrupted protein product. Loss-of-function variants in ATP7B are known to be pathogenic (PMID: 10441329, 16283883). This variant is not present in population databases (gnomAD no frequency). This premature translational stop signal has been observed in individual(s) with Wilson disease (PMID: 7626145). This variant is also known as 3149delC, 3146delC or Ala1049Ala-fs. ClinVar contains an entry for this variant (Variation ID: 551108). For these reasons, this variant has been classified as Pathogenic.

Color Diagnostics, LLC DBA Color Health
Classification: Uncertain significance for Wilson disease. Last evaluated: 2025-06-30. Review status: criteria provided, single submitter. Criteria: ACMG Guidelines, 2015. Collection method: clinical testing. Allele origin: germline.
Comment: This variant, also known as c.3149delC, c.3146delC, and Ala1049Ala-fs, deletes 1 nucleotide in exon 14 of the ATP7B gene creating a frameshift and premature translation stop signal. This variant is expected to result in an absent or non-functional protein product. To our knowledge, functional studies have not been reported for this variant. This variant has been observed in individuals affected with autosomal recessive Wilson disease (PMID: 7626145, 17823867, 23551039, 30120852), indicating that this variant contributes to disease. This variant has not been identified in the general population by the Genome Aggregation Database (gnomAD). Loss of ATP7B function is a known mechanism of disease. The available evidence is insufficient to determine the role of this variant in disease conclusively. Therefore, this variant is classified as a Variant of Uncertain Significance.

All of Us Research Program, National Institutes of Health
Classification: Pathogenic for Wilson disease. Last evaluated: 2024-07-15. Review status: criteria provided, single submitter. Criteria: ACMG Guidelines, 2015. Collection method: clinical testing. Allele origin: germline. Inheritance: Autosomal recessive inheritance. Observed: 2 variant alleles, 2 heterozygotes.
Comment: This variant is predicted to result in loss of protein function through nonsense-mediated or protein truncation. Loss of function is an established mechanism of disease. It is absent from large population databases, including the Genome Aggregation Database. This variant was reported to be homozygous in at least one individual with Wilson disease (PMID: 7626145, 17823867, 30120852, 23551039).

This study involves interpretation of variants in research participants for the purpose of population health screening. Participant phenotype was not available at the time of variant classification. Additional details can be found in publication PMID: 35346344, PMCID: PMC8962531

Mayo Clinic Laboratories, Mayo Clinic
Classification: Pathogenic. Last evaluated: 2024-05-08. Review status: criteria provided, single submitter. Criteria: ACMG Guidelines, 2015. Collection method: clinical testing. Allele origin: germline. Observed: 1 variant allele.
Comment: PM2_moderate, PM3, PVS1

Fulgent Genetics
Classification: Pathogenic for Wilson disease. Last evaluated: 2024-03-07. Review status: criteria provided, single submitter. Criteria: ACMG Guidelines, 2015. Collection method: clinical testing. Allele origin: germline.

Baylor Genetics
Classification: Pathogenic for Wilson disease. Last evaluated: 2023-08-11. Review status: criteria provided, single submitter. Criteria: ACMG Guidelines, 2015. Collection method: clinical testing. Allele origin: unknown.

Genetics and Genomic Medicine Centre, NeuroGen Healthcare, NeuroGen Healthcare
Classification: Pathogenic for Wilson disease. Last evaluated: 2022-04-06. Review status: criteria provided, single submitter. Criteria: Submitter's publication. Collection method: clinical testing. Allele origin: unknown. Affected: no.

Genome-Nilou Lab
Classification: Pathogenic for Wilson disease. Last evaluated: 2021-08-10. Review status: criteria provided, single submitter. Criteria: ACMG Guidelines, 2015. Collection method: clinical testing. Allele origin: germline. Affected: no.

Women's Health and Genetics/Laboratory Corporation of America, LabCorp
Classification: Pathogenic for Wilson disease. Last evaluated: 2021-07-13. Review status: criteria provided, single submitter. Criteria: LabCorp Variant Classification Summary - May 2015. Collection method: clinical testing. Allele origin: germline.
Comment: Variant summary: ATP7B c.3147delC (p.Thr1050HisfsX71) results in a premature termination codon, predicted to cause a truncation of the encoded protein or absence of the protein due to nonsense mediated decay, which are commonly known mechanisms for disease. Truncations downstream of this position have been classified as pathogenic by our laboratory. The variant was absent in 249364 control chromosomes (gnomAD and publication data). c.3147delC has been reported in the literature in multiple individuals affected with Wilson Disease, including at least one homozygote (Thomas_1995, Gupta_2007, Aggarwal_2013, Mukherjee_2014). These data indicate that the variant is very likely to be associated with disease. To our knowledge, no experimental evidence demonstrating an impact on protein function has been reported. One ClinVar submitter (evaluation after 2014) cites the variant as pathogenic. Based on the evidence outlined above, the variant was classified as pathogenic.

Arcensus
Classification: Pathogenic for Wilson disease. Last evaluated: 2013-02-01. Review status: criteria provided, single submitter. Criteria: ACMG Guidelines, 2015. Collection method: clinical testing. Allele origin: germline. Affected: yes.

Natera, Inc.
Classification: Pathogenic for Wilson disease. Last evaluated: 2020-06-12. Review status: no assertion criteria provided. Collection method: clinical testing. Allele origin: germline. Not counted in ClinVar's aggregate classification.

Counsyl
Classification: Pathogenic for Wilson disease. Last evaluated: 2017-03-10. Review status: no assertion criteria provided. Collection method: clinical testing. Allele origin: unknown. Not counted in ClinVar's aggregate classification.

Literature cited by the submitters: PubMed 10441329 (cited by Labcorp Genetics (formerly Invitae), Labcorp); PubMed 16283883 (cited by Labcorp Genetics (formerly Invitae), Labcorp); PubMed 7626145 (cited by 6 submitters); PubMed 17823867 (cited by 3 submitters); PubMed 23551039 (cited by 5 submitters); PubMed 30120852 (cited by Color Diagnostics, LLC DBA Color Health and All of Us Research Program, National Institutes of Health); PubMed 24094725 (cited by 3 submitters); PubMed 9407345 (cited by Mayo Clinic Laboratories, Mayo Clinic and Women's Health and Genetics/Laboratory Corporation of America, LabCorp); PubMed 27992490 (cited by Counsyl).

NM_000053.4(ATP7B):c.3147del (p.Thr1050fs)

Gene: ATP7B (ATPase copper transporting beta; minus strand). Cytogenetic location: 13q14.3.
Variant type: Deletion.
Coding change: c.3147del on transcript NM_000053.4 (MANE Select); coding-DNA position 3147, one base deleted (C; older notation c.3147delC).
Protein change: p.Thr1050fs; shifts the reading frame from threonine 1050.
Molecular consequence: frameshift variant.
Genome position (GRCh38, 1-based): chr13:51,944,205, G deleted on the plus strand (C on the coding strand, the reverse complement: ATP7B is on the minus strand); the first of 2 consecutive G bases (chr13:51,944,205-51,944,206); deleting either gives the same sequence. VCF-style (leftmost placement, unchanged base first): chr13-51944204-TG-T. GRCh37 (hg19) VCF-style: chr13-52518340-TG-T.
Other names: p.Thr1050Hisfs*71; c.2526del, p.Thr843fs (NM_001005918.3); c.2814del, p.Thr939fs (NM_001243182.2); c.2913del, p.Thr972fs (NM_001330578.2); c.2895del, p.Thr966fs (NM_001330579.2); short protein forms T1050fs, T972fs, T939fs, T966fs, T843fs.
Identifiers: ClinVar variation 551108 (VCV000551108.38), dbSNP rs762031690, ClinGen allele CA6988796.
Genomic context (GRCh38, chr13:51,944,204, plus strand): 5'-GGTGTTCACTGCTGGCCTCCGCAGTCCCCACCACAGCCAGAACCTTCCTGAGGGGCAGTG[TG>T]GCCACATCCCCCAGCAGGAGCACCCGCATGACCCTGGGGACGCCATGGGTAATGGTGCCA-3'